The following is an entry in ClinVar:

NM_001379081.2(FREM1):c.3708G>A (p.Thr1236=)

Gene: FREM1 (FRAS1 related extracellular matrix 1; minus strand). Cytogenetic location: 9p22.3.
Variant type: single nucleotide variant.
Coding change: c.3708G>A on transcript NM_001379081.2 (MANE Select); coding-DNA position 3708, G replaced by A.
Protein change: p.Thr1236=; no amino-acid change (threonine 1236 retained).
Molecular consequence: synonymous variant. On other transcripts: non-coding transcript variant (2).
Genome position (GRCh38, 1-based): chr9:14,797,629, C>T on the plus strand (G>A on the coding strand, the complement: FREM1 is on the minus strand). VCF-style: chr9-14797629-C-T. GRCh37 (hg19) VCF-style: chr9-14797627-C-T.
Other names: c.3708G>A, p.Thr1236= (NM_144966.7).
Identifiers: ClinVar variation 366132 (VCV000366132.16), dbSNP rs61747541, ClinGen allele CA4990440.

ClinVar aggregate classification (germline): Benign. Review status: criteria provided, multiple submitters, no conflicts (2 of 4 stars). 4 submissions from 4 submitters: Benign (4). Last evaluated 2026-01-27.

Conditions:
Oculotrichoanal syndrome (MOTA). Also called: MARLES SYNDROME; Manitoba Oculotrichoanal (MOTA) Syndrome. Identifiers: Orphanet 2717, MedGen C1855425, MONDO:0009560, OMIM 248450.

Allele frequency attached by ClinVar (database versions not stated): ExAC 0.00574; gnomAD 0.01749; ESP Exome Variant Server 0.01818; 1000 Genomes Project 0.02037; TOPMed 0.02121; 1000 Genomes Project 30x 0.02264.
gnomAD v4.1: 5,529 of 1,610,720 alleles (0.34%); highest among the groups gnomAD compares: African/African-American, 6.4%; 171 homozygotes.

Submissions (4):

Labcorp Genetics (formerly Invitae), Labcorp
Classification: Benign. Last evaluated: 2026-01-27. Review status: criteria provided, single submitter. Criteria: Invitae Variant Classification Sherloc (09022015). Collection method: clinical testing. Allele origin: germline.

GeneDx
Classification: Benign. Last evaluated: 2021-05-05. Review status: criteria provided, single submitter. Criteria: GeneDx Variant Classification Process June 2021. Collection method: clinical testing. Allele origin: germline. Affected: yes.

Illumina Laboratory Services, Illumina
Classification: Benign for Oculotrichoanal syndrome. Last evaluated: 2018-01-12. Review status: criteria provided, single submitter. Criteria: ICSL Variant Classification Criteria 13 December 2019. Collection method: clinical testing. Allele origin: germline.
Comment: This variant was observed in the ICSL laboratory as part of a predisposition screen in an ostensibly healthy population. It had not been previously curated by ICSL or reported in the Human Gene Mutation Database (HGMD: prior to June 1st, 2018), and was therefore a candidate for classification through an automated scoring system. Utilizing variant allele frequency, disease prevalence and penetrance estimates, and inheritance mode, an automated score was calculated to assess if this variant is too frequent to cause the disease. Based on the score and internal cut-off values, a variant classified as benign is not then subjected to further curation. The score for this variant resulted in a classification of benign for this disease.

Breakthrough Genomics
Classification: Benign. Review status: criteria provided, single submitter. Criteria: ACMG Guidelines, 2015. Collection method: not provided. Allele origin: germline. Inheritance: Autosomal recessive inheritance. Affected: yes.